The following is an entry in ClinVar:

ClinVar aggregate classification (germline): Uncertain significance (1 of 4 stars; one submission).

Submission:

Women's Health and Genetics/Laboratory Corporation of America, LabCorp
Classification: Uncertain significance. Last evaluated: 2025-07-22. Review status: criteria provided, single submitter. Criteria: LabCorp Variant Classification Summary - May 2015. Collection method: clinical testing. Allele origin: germline.
Comment: Variant summary: F8 c.5150A>C (p.Tyr1717Ser) results in a non-conservative amino acid change in the encoded protein sequence. Algorithms developed to predict the effect of missense changes on protein structure and function all suggest that this variant is likely to be disruptive. The variant was absent in 180845 control chromosomes. The available data on variant occurrences in the general population are insufficient to allow any conclusion about variant significance. To our knowledge, no occurrence of c.5150A>C in individuals affected with Factor VIII Deficiency (Hemophilia A) and no experimental evidence demonstrating its impact on protein function have been reported. No submitters have cited clinical-significance assessments for this variant to ClinVar. Based on the evidence outlined above, the variant was classified as uncertain significance.

NM_000132.4(F8):c.5150A>C (p.Tyr1717Ser)

Gene: F8 (coagulation factor VIII; minus strand). Cytogenetic location: Xq28.
Variant type: single nucleotide variant.
Coding change: c.5150A>C on transcript NM_000132.4 (MANE Select); coding-DNA position 5150, A replaced by C.
Protein change: p.Tyr1717Ser; replaces tyrosine 1717 with serine.
Molecular consequence: missense variant.
Genome position (GRCh38, 1-based): chrX:154,928,640, T>G on the plus strand (A>C on the coding strand, the complement: F8 is on the minus strand). VCF-style: chrX-154928640-T-G. GRCh37 (hg19) VCF-style: chrX-154156915-T-G.
Other names: short protein forms Y1717S.
Identifiers: ClinVar variation 4525691 (VCV004525691.1).